The following is an entry in ClinVar:

ClinVar aggregate classification (germline): Uncertain significance (1 of 4 stars; one submission).

Conditions:
Early-infantile DEE. Also called: Ohtahara syndrome; Early infantile epileptic encephalopathy; Early infantile epileptic encephalopathy with suppression bursts. Identifiers: Orphanet 1934, MedGen C0393706, MONDO:0800491.

Submission:

Labcorp Genetics (formerly Invitae), Labcorp
Classification: Uncertain significance for Early-infantile DEE. Last evaluated: 2023-01-24. Review status: criteria provided, single submitter. Criteria: Invitae Variant Classification Sherloc (09022015). Collection method: clinical testing. Allele origin: germline.
Comment: In summary, the available evidence is currently insufficient to determine the role of this variant in disease. Therefore, it has been classified as a Variant of Uncertain Significance. Advanced modeling of protein sequence and biophysical properties (such as structural, functional, and spatial information, amino acid conservation, physicochemical variation, residue mobility, and thermodynamic stability) performed at Invitae indicates that this missense variant is not expected to disrupt KCNH5 protein function. This variant has not been reported in the literature in individuals affected with KCNH5-related conditions. This variant is not present in population databases (gnomAD no frequency). This sequence change replaces asparagine, which is neutral and polar, with histidine, which is basic and polar, at codon 87 of the KCNH5 protein (p.Asn87His).

NM_139318.5(KCNH5):c.259A>C (p.Asn87His)

Gene: KCNH5 (potassium voltage-gated channel subfamily H member 5; minus strand). Cytogenetic location: 14q23.2.
Variant type: single nucleotide variant.
Coding change: c.259A>C on transcript NM_139318.5 (MANE Select); coding-DNA position 259, A replaced by C.
Protein change: p.Asn87His; replaces asparagine 87 with histidine.
Molecular consequence: missense variant.
Genome position (GRCh38, 1-based): chr14:63,006,411, T>G on the plus strand (A>C on the coding strand, the complement: KCNH5 is on the minus strand). VCF-style: chr14-63006411-T-G. GRCh37 (hg19) VCF-style: chr14-63473129-T-G.
Other names: c.259A>C, p.Asn87His (NM_172375.3); short protein forms N87H.
Identifiers: ClinVar variation 2779573 (VCV002779573.3), dbSNP rs933106909, ClinGen allele CA262409462.